The following is an entry in ClinVar:

ClinVar aggregate classification (germline): Uncertain significance (1 of 4 stars; one submission).

Conditions:
Hereditary cancer-predisposing syndrome. Also called: Neoplastic Syndromes, Hereditary; Hereditary Cancer Syndrome; Hereditary neoplastic syndrome; Tumor predisposition. Identifiers: Orphanet 140162, MedGen C0027672, MeSH D009386, MONDO:0015356.

Submission:

Ambry Genetics
Classification: Uncertain significance for Hereditary cancer-predisposing syndrome. Last evaluated: 2016-07-07. Review status: criteria provided, single submitter. Criteria: Ambry Variant Classification Scheme 2023. Collection method: clinical testing. Allele origin: germline.
Comment: The p.F170V variant (also known as c.508T>G), located in coding exon 5 of the BRCA2 gene, results from a T to G substitution at nucleotide position 508. The phenylalanine at codon 170 is replaced by valine, an amino acid with highly similar properties. This variant was not reported in population based cohorts in the following databases: Database of Single Nucleotide Polymorphisms (dbSNP), NHLBI Exome Sequencing Project (ESP), and 1000 Genomes Project. In the ESP, this variant was not observed in 6502 samples (13004 alleles) with coverage at this position. To date, this alteration has been detected with an allele frequency of approximately 0.0003% (greater than 300000 alleles tested) in our clinical cohort. This amino acid position is poorly conserved in available vertebrate species. In addition, this alteration is predicted to be tolerated by in silico analysis. Since supporting evidence is limited at this time, the clinical significance of this alteration remains unclear.

NM_000059.4(BRCA2):c.508T>G (p.Phe170Val)

Gene: BRCA2 (BRCA2 DNA repair associated; plus strand). Cytogenetic location: 13q13.1.
Variant type: single nucleotide variant.
Coding change: c.508T>G on transcript NM_000059.4 (MANE Select); coding-DNA position 508, T replaced by G.
Protein change: p.Phe170Val; replaces phenylalanine 170 with valine.
Molecular consequence: missense variant.
Genome position (GRCh38, 1-based): chr13:32,326,274, T>G. VCF-style: chr13-32326274-T-G. GRCh37 (hg19) VCF-style: chr13-32900411-T-G.
Other names: short protein forms F170V.
Identifiers: ClinVar variation 479336 (VCV000479336.5), dbSNP rs1555280998, ClinGen allele CA387757717.